The following is an entry in ClinVar:

NM_015072.5(TTLL5):c.842+1G>A

Gene: TTLL5 (tubulin tyrosine ligase like 5; plus strand). Cytogenetic location: 14q24.3.
Variant type: single nucleotide variant.
Coding change: c.842+1G>A on transcript NM_015072.5 (MANE Select); the canonical splice donor site of the intron after coding-DNA position 842, G replaced by A.
Molecular consequence: splice donor variant.
Genome position (GRCh38, 1-based): chr14:75,717,963, G>A. VCF-style: chr14-75717963-G-A. GRCh37 (hg19) VCF-style: chr14-76184306-G-A.
Identifiers: ClinVar variation 965057 (VCV000965057.10), dbSNP rs1887579263, ClinGen allele CA390458381.

ClinVar aggregate classification (germline): Likely pathogenic. Review status: criteria provided, single submitter (1 of 4 stars). 2 submissions from 2 submitters: Likely pathogenic (1). 1 of the submissions does not count toward it. Last evaluated 2019-10-24.

Conditions:
Retinal dystrophy. Also called: Inherited retinal dystrophy. Identifiers: Orphanet 71862, MedGen C0854723, MeSH D058499, MONDO:0019118, HP:0000556.

Submissions (3):

Labcorp Genetics (formerly Invitae), Labcorp
Classification: Likely pathogenic. Last evaluated: 2019-10-24. Review status: criteria provided, single submitter. Criteria: Invitae Variant Classification Sherloc (09022015). Collection method: clinical testing. Allele origin: germline.
Comment: This sequence change affects a donor splice site in intron 10 of the TTLL5 gene. It is expected to disrupt RNA splicing and likely results in an absent or disrupted protein product. In summary, the currently available evidence indicates that the variant is pathogenic, but additional data are needed to prove that conclusively. Therefore, this variant has been classified as Likely Pathogenic. Donor and acceptor splice site variants typically lead to a loss of protein function (PMID: 16199547), and loss-of-function variants in TTLL5 are known to be pathogenic (PMID: 24791901, 27162334). Algorithms developed to predict the effect of sequence changes on RNA splicing suggest that this variant may disrupt the consensus splice site, but this prediction has not been confirmed by published transcriptional studies. This variant has not been reported in the literature in individuals with TTLL5-related conditions. This variant is not present in population databases (ExAC no frequency).

Institute of Human Genetics, Univ. Regensburg, Univ. Regensburg
Classification: Pathogenic for Retinal dystrophy. Last evaluated: 2018-01-01. Review status: no assertion criteria provided. Criteria: ACMG Guidelines, 2015. Collection method: clinical testing. Allele origin: germline. Affected: yes. Not counted in ClinVar's aggregate classification.

Dr. Peter K. Rogan Lab, Western University
No classification provided (evidence only). Condition: Ovarian serous cystadenocarcinoma. Review status: no classification provided. Collection method: in vitro. Allele origin: not applicable. Functional consequence: retained intron. Not counted in ClinVar's aggregate classification.

Literature cited by the submitters: PubMed 16199547 (cited by Labcorp Genetics (formerly Invitae), Labcorp); PubMed 24791901 (cited by Labcorp Genetics (formerly Invitae), Labcorp); PubMed 27162334 (cited by Labcorp Genetics (formerly Invitae), Labcorp).